The following is an entry in ClinVar:

NM_002010.3(FGF9):c.*372A>T

Gene: FGF9 (fibroblast growth factor 9; plus strand). Cytogenetic location: 13q12.11.
Variant type: single nucleotide variant.
Coding change: c.*372A>T on transcript NM_002010.3 (MANE Select); 372 bases downstream of the stop codon, A replaced by T.
Molecular consequence: 3 prime UTR variant.
Genome position (GRCh38, 1-based): chr13:21,701,807, A>T. VCF-style: chr13-21701807-A-T. GRCh37 (hg19) VCF-style: chr13-22275946-A-T.
Identifiers: ClinVar variation 311441 (VCV000311441.6), dbSNP rs546782, ClinGen allele CA10634009.

ClinVar aggregate classification (germline): Benign. Review status: criteria provided, multiple submitters, no conflicts (2 of 4 stars). 2 submissions from 2 submitters: Benign (2). Last evaluated 2018-01-13.

Conditions:
Multiple synostoses syndrome 3 (SYNS3). Identifiers: Orphanet 3237, MedGen C2751826, MONDO:0013064, OMIM 612961.

Allele frequency attached by ClinVar (database versions not stated): 1000 Genomes Project 0.16833; gnomAD 0.19530 and 0.20354; gnomAD exomes 0.11850; TOPMed 0.19899; 1000 Genomes Project 30x 0.17598.
gnomAD v4.1: 44,164 of 275,282 alleles (16%); highest among the groups gnomAD compares: African/African-American, 38%; 5,109 homozygotes.

Submissions (2):

Illumina Laboratory Services, Illumina
Classification: Benign for Multiple synostoses syndrome 3. Last evaluated: 2018-01-13. Review status: criteria provided, single submitter. Criteria: ICSL Variant Classification Criteria 13 December 2019. Collection method: clinical testing. Allele origin: germline.
Comment: This variant was observed in the ICSL laboratory as part of a predisposition screen in an ostensibly healthy population. It had not been previously curated by ICSL or reported in the Human Gene Mutation Database (HGMD: prior to June 1st, 2018), and was therefore a candidate for classification through an automated scoring system. Utilizing variant allele frequency, disease prevalence and penetrance estimates, and inheritance mode, an automated score was calculated to assess if this variant is too frequent to cause the disease. Based on the score and internal cut-off values, a variant classified as benign is not then subjected to further curation. The score for this variant resulted in a classification of benign for this disease.

Breakthrough Genomics
Classification: Benign. Review status: criteria provided, single submitter. Criteria: ACMG Guidelines, 2015. Collection method: not provided. Allele origin: germline. Inheritance: Autosomal dominant inheritance. Affected: yes.